The following is an entry in ClinVar:

ClinVar aggregate classification (germline): Uncertain significance (1 of 4 stars; one submission).

Conditions:
Familial adenomatous polyposis 1 (FAP1). Also called: FAMILIAL ADENOMATOUS POLYPOSIS 1, ATTENUATED; POLYPOSIS, ADENOMATOUS INTESTINAL. Identifiers: MedGen C2713442, MONDO:0021056, OMIM 175100. Disease mechanism: loss of function.

Submission:

Labcorp Genetics (formerly Invitae), Labcorp
Classification: Uncertain significance for Familial adenomatous polyposis 1. Last evaluated: 2025-10-07. Review status: criteria provided, single submitter. Criteria: Invitae Variant Classification Sherloc (09022015). Collection method: clinical testing. Allele origin: germline.
Comment: This sequence change replaces threonine, which is neutral and polar, with isoleucine, which is neutral and non-polar, at codon 1267 of the APC protein (p.Thr1267Ile). This variant is not present in population databases (gnomAD no frequency). This variant has not been reported in the literature in individuals affected with APC-related conditions. ClinVar contains an entry for this variant (Variation ID: 2712741). Invitae Evidence Modeling of protein sequence and biophysical properties (such as structural, functional, and spatial information, amino acid conservation, physicochemical variation, residue mobility, and thermodynamic stability) indicates that this missense variant is not expected to disrupt APC protein function with a negative predictive value of 95%. In summary, the available evidence is currently insufficient to determine the role of this variant in disease. Therefore, it has been classified as a Variant of Uncertain Significance.

NM_000038.6(APC):c.3800C>T (p.Thr1267Ile)

Gene: APC (APC regulator of Wnt signaling pathway; plus strand). Cytogenetic location: 5q22.2.
Variant type: single nucleotide variant.
Coding change: c.3800C>T on transcript NM_000038.6 (MANE Select); coding-DNA position 3800, C replaced by T.
Protein change: p.Thr1267Ile; replaces threonine 1267 with isoleucine.
Molecular consequence: missense variant. On other transcripts: non-coding transcript variant (2).
Genome position (GRCh38, 1-based): chr5:112,839,394, C>T. VCF-style: chr5-112839394-C-T. GRCh37 (hg19) VCF-style: chr5-112175091-C-T.
Other names: c.3800C>T, p.Thr1267Ile (NM_001127510.3, NM_001354895.2, NM_001407450.1); c.3746C>T, p.Thr1249Ile (NM_001127511.3); c.3854C>T, p.Thr1285Ile (NM_001354896.2, NM_001407447.1, NM_001407448.1 and 1 more transcripts); c.3830C>T, p.Thr1277Ile (NM_001354897.2); c.3725C>T, p.Thr1242Ile (NM_001354898.2); c.3716C>T, p.Thr1239Ile (NM_001354899.2); c.3677C>T, p.Thr1226Ile (NM_001354900.2); c.3623C>T, p.Thr1208Ile (NM_001354901.2, NM_001407453.1); and 11 more; short protein forms T1107I, T1176I, T1249I, T1285I, T883I, T1141I, T1184I, T1226I.
Identifiers: ClinVar variation 2712741 (VCV002712741.3), dbSNP rs2149899266, ClinGen allele CA16029672.